The following is an entry in ClinVar:

NM_007294.4(BRCA1):c.2296A>G (p.Ser766Gly)

Gene: BRCA1 (BRCA1 DNA repair associated; minus strand). Cytogenetic location: 17q21.31.
Variant type: single nucleotide variant.
Coding change: c.2296A>G on transcript NM_007294.4 (MANE Select); coding-DNA position 2296, A replaced by G.
Protein change: p.Ser766Gly; replaces serine 766 with glycine.
Molecular consequence: missense variant. On other transcripts: intron variant (137).
Genome position (GRCh38, 1-based): chr17:43,093,235, T>C on the plus strand (A>G on the coding strand, the complement: BRCA1 is on the minus strand). VCF-style: chr17-43093235-T-C. GRCh37 (hg19) VCF-style: chr17-41245252-T-C.
Other names: c.2293A>G, p.Ser765Gly (NM_001407610.1, NM_001407611.1, NM_001407612.1 and 22 more transcripts); c.2296A>G, p.Ser766Gly (NM_001407616.1, NM_001407617.1, NM_001407618.1 and 30 more transcripts); c.2170A>G, p.Ser724Gly (NM_001407649.1, NM_001407670.1, NM_001407671.1 and 11 more transcripts); c.2218A>G, p.Ser740Gly (NM_001407653.1, NM_001407654.1, NM_001407655.1 and 4 more transcripts); c.2215A>G, p.Ser739Gly (NM_001407659.1, NM_001407660.1, NM_001407661.1 and 1 more transcripts); c.2173A>G, p.Ser725Gly (NM_001407674.1, NM_001407675.1, NM_001407676.1 and 19 more transcripts); c.2155A>G, p.Ser719Gly (NM_001407692.1, NM_001407694.1, NM_001407695.1 and 29 more transcripts); c.2152A>G, p.Ser718Gly (NM_001407740.1, NM_001407741.1, NM_001407742.1 and 20 more transcripts); and 41 more; short protein forms S766G, S719G, S639G, S654G, S677G, S695G, S725G, S765G.
Identifiers: ClinVar variation 91581 (VCV000091581.33), dbSNP rs398122655, ClinGen allele CA001529.

ClinVar aggregate classification (germline): Conflicting classifications of pathogenicity. Review status: criteria provided, conflicting classifications (1 of 4 stars). 11 submissions from 11 submitters: Uncertain significance (8); Likely benign (1). 2 of the submissions do not count toward it. Last evaluated 2025-10-19.

Conditions:
Hereditary cancer-predisposing syndrome. Also called: Hereditary Cancer Syndrome; Hereditary neoplastic syndrome; Neoplastic Syndromes, Hereditary; Tumor predisposition. Identifiers: Orphanet 140162, MedGen C0027672, MeSH D009386, MONDO:0015356.
Breast-ovarian cancer, familial, susceptibility to, 1 (BROVCA1). Also called: BRCA1 Hereditary Breast and Ovarian Cancer; OVARIAN CANCER, SUSCEPTIBILITY TO. Identifiers: Orphanet 145, MedGen C2676676, MONDO:0011450, OMIM 604370. Disease mechanism: loss of function.
Hereditary breast ovarian cancer syndrome. Also called: BRCA1- and BRCA2-Associated Hereditary Breast and Ovarian Cancer; Hereditary breast and ovarian cancer syndrome; Hereditary breast and ovarian cancer syndrome (HBOC); Breast and ovarian cancer; Hereditary breast and/or ovarian cancer syndrome; Hereditary breast and ovarian cancer. Identifiers: Orphanet 145, MedGen C0677776, MeSH D061325, MONDO:0003582. Disease mechanism: loss of function.

Allele frequency attached by ClinVar (database versions not stated): gnomAD exomes 0.00001 and below 0.00001; TOPMed below 0.00001.
gnomAD v4.1: 7 of 1,614,084 alleles (0.00043%); highest among the groups gnomAD compares: Non-Finnish European, 0.00059%; no homozygotes.

Submissions (11):

Labcorp Genetics (formerly Invitae), Labcorp
Classification: Uncertain significance for Hereditary breast ovarian cancer syndrome. Last evaluated: 2025-10-19. Review status: criteria provided, single submitter. Criteria: Invitae Variant Classification Sherloc (09022015). Collection method: clinical testing. Allele origin: germline.
Comment: This sequence change replaces serine, which is neutral and polar, with glycine, which is neutral and non-polar, at codon 766 of the BRCA1 protein (p.Ser766Gly). This variant is present in population databases (rs398122655, gnomAD 0.0009%). This variant has not been reported in the literature in individuals affected with BRCA1-related conditions. ClinVar contains an entry for this variant (Variation ID: 91581). Invitae Evidence Modeling of protein sequence and biophysical properties (such as structural, functional, and spatial information, amino acid conservation, physicochemical variation, residue mobility, and thermodynamic stability) indicates that this missense variant is expected to disrupt BRCA1 protein function with a positive predictive value of 80%. In summary, the available evidence is currently insufficient to determine the role of this variant in disease. Therefore, it has been classified as a Variant of Uncertain Significance.

Ambry Genetics
Classification: Uncertain significance for Hereditary cancer-predisposing syndrome. Last evaluated: 2025-06-04. Review status: criteria provided, single submitter. Criteria: Ambry Variant Classification Scheme 2023. Collection method: clinical testing. Allele origin: germline.
Comment: The p.S766G variant (also known as c.2296A>G), located in coding exon 9 of the BRCA1 gene, results from an A to G substitution at nucleotide position 2296. The serine at codon 766 is replaced by glycine, an amino acid with similar properties. This amino acid position is not well conserved in available vertebrate species. In addition, the in silico prediction for this alteration is inconclusive. Based on the available evidence, the clinical significance of this variant remains unclear.

Color Diagnostics, LLC DBA Color Health
Classification: Uncertain significance for Hereditary cancer-predisposing syndrome. Last evaluated: 2024-12-11. Review status: criteria provided, single submitter. Criteria: ACMG Guidelines, 2015. Collection method: clinical testing. Allele origin: germline.
Comment: This missense variant replaces serine with glycine at codon 766 of the BRCA1 protein. Computational prediction tool suggests that this variant may not impact protein structure and function. To our knowledge, functional studies have not been reported for this variant. This variant has been detected in a breast cancer case-control meta-analysis in 1/60465 cases and 1/53460 unaffected individuals (PMID: 33471991; Leiden Open Variation Database DB-ID BRCA1_006427). This variant has been identified in 1/251096 chromosomes in the general population by the Genome Aggregation Database (gnomAD). The available evidence is insufficient to determine the role of this variant in disease conclusively. Therefore, this variant is classified as a Variant of Uncertain Significance.

Women's Health and Genetics/Laboratory Corporation of America, LabCorp
Classification: Uncertain significance. Last evaluated: 2024-03-14. Review status: criteria provided, single submitter. Criteria: LabCorp Variant Classification Summary - May 2015. Collection method: clinical testing. Allele origin: germline.

All of Us Research Program, National Institutes of Health
Classification: Uncertain significance for Breast-ovarian cancer, familial, susceptibility to, 1. Last evaluated: 2023-10-30. Review status: criteria provided, single submitter. Criteria: ACMG Guidelines, 2015. Collection method: clinical testing. Allele origin: germline. Inheritance: Autosomal dominant inheritance. Observed: 1 variant allele, 1 heterozygote.
Comment: This missense variant replaces serine with glycine at codon 766 of the BRCA1 protein. Computational prediction is inconclusive regarding the impact of this variant on protein structure and function (internally defined REVEL score threshold 0.5 < inconclusive < 0.7, PMID: 27666373). To our knowledge, functional studies have not been reported for this variant. This variant has been detected in a breast cancer case-control meta-analysis in 1/60465 cases and 1/53460 unaffected individuals (PMID: 33471991; Leiden Open Variation Database DB-ID BRCA1_006427). This variant has been identified in 1/251096 chromosomes in the general population by the Genome Aggregation Database (gnomAD). The available evidence is insufficient to determine the role of this variant in disease conclusively. Therefore, this variant is classified as a Variant of Uncertain Significance.

This study involves interpretation of variants in research participants for the purpose of population health screening. Participant phenotype was not available at the time of variant classification. Additional details can be found in publication PMID: 35346344, PMCID: PMC8962531

University of Washington Department of Laboratory Medicine, University of Washington
Classification: Likely benign for Hereditary cancer-predisposing syndrome. Last evaluated: 2023-03-23. Review status: criteria provided, single submitter. Criteria: Dines et al. (Genet Med. 2020). Collection method: curation. Allele origin: germline.
Comment: Missense variant in a coldspot region where missense variants are very unlikely to be pathogenic (PMID:31911673).

BRCA1 coldspot (exon 11 using historical exon numbering). Reclassification based on statistical prior probability

GeneDx
Classification: Uncertain significance. Last evaluated: 2018-05-11. Review status: criteria provided, single submitter. Criteria: GeneDx Variant Classification (06012015). Collection method: clinical testing. Allele origin: germline. Affected: yes.
Comment: This variant is denoted BRCA1 c.2296A>G at the cDNA level, p.Ser766Gly (S766G) at the protein level, and results in the change of a Serine to a Glycine (AGT>GGT). Using alternate nomenclature, this variant would be defined as BRCA1 2415A>G. This variant has not, to our knowledge, been published in the literature as a pathogenic or benign germline variant. BRCA1 Ser766Gly was not observed at a significant allele frequency in large population cohorts (Lek 2016). This variant is located in the DNA binding domain and a region known to interaction with multiple other proteins (Narod 2004, Paul 2014). In silico analysis, which includes protein predictors and evolutionary conservation, supports a deleterious effect. Based on currently available evidence, it is unclear whether BRCA1 Ser766Gly is a pathogenic or benign variant. We consider it to be a variant of uncertain significance.

Quest Diagnostics Nichols Institute San Juan Capistrano
Classification: Uncertain significance. Last evaluated: 2017-07-18. Review status: criteria provided, single submitter. Criteria: Quest Diagnostics criteria. Collection method: clinical testing. Allele origin: germline.

Illumina Laboratory Services, Illumina
Classification: Uncertain significance for Breast-ovarian cancer, familial, susceptibility to, 1. Last evaluated: 2017-04-28. Review status: criteria provided, single submitter. Criteria: ICSL Variant Classification Criteria 13 December 2019. Collection method: clinical testing. Allele origin: germline.

Counsyl
Classification: Uncertain significance for Breast-ovarian cancer, familial, susceptibility to, 1. Last evaluated: 2017-09-25. Review status: no assertion criteria provided. Collection method: clinical testing. Allele origin: unknown. Not counted in ClinVar's aggregate classification.

Sharing Clinical Reports Project (SCRP)
Classification: Uncertain significance for Breast-ovarian cancer, familial 1. Last evaluated: 2009-05-12. Review status: no assertion criteria provided. Collection method: clinical testing. Allele origin: germline. Not counted in ClinVar's aggregate classification.

Literature cited by the submitters: PubMed 33471991 (cited by Color Diagnostics, LLC DBA Color Health and All of Us Research Program, National Institutes of Health).